The following is an entry in ClinVar:

ClinVar aggregate classification (germline): Uncertain significance (1 of 4 stars; one submission).

Conditions:
Long QT syndrome (LQTS). Identifiers: MedGen C0023976, MeSH D008133, MONDO:0002442. Disease mechanism: loss of function. Inheritance: Various modes of inheritance.

gnomAD v4.1: 2 of 1,613,996 alleles (0.00012%); highest among the groups gnomAD compares: Non-Finnish European, 0.00017%; no homozygotes.

Submission:

Labcorp Genetics (formerly Invitae), Labcorp
Classification: Uncertain significance for Long QT syndrome. Last evaluated: 2021-12-24. Review status: criteria provided, single submitter. Criteria: Invitae Variant Classification Sherloc (09022015). Collection method: clinical testing. Allele origin: germline.
Comment: This variant has not been reported in the literature in individuals affected with ANK2-related conditions. In summary, the available evidence is currently insufficient to determine the role of this variant in disease. Therefore, it has been classified as a Variant of Uncertain Significance. Algorithms developed to predict the effect of missense changes on protein structure and function are either unavailable or do not agree on the potential impact of this missense change (SIFT: "Tolerated"; PolyPhen-2: "Probably Damaging"; Align-GVGD: "Class C0"). This variant is not present in population databases (gnomAD no frequency). This sequence change replaces glycine, which is neutral and non-polar, with alanine, which is neutral and non-polar, at codon 2235 of the ANK2 protein (p.Gly2235Ala).

NM_001148.6(ANK2):c.6704G>C (p.Gly2235Ala)

Gene: ANK2 (ankyrin 2; plus strand). Cytogenetic location: 4q26.
Variant type: single nucleotide variant.
Coding change: c.6704G>C on transcript NM_001148.6 (MANE Select); coding-DNA position 6704, G replaced by C.
Protein change: p.Gly2235Ala; replaces glycine 2235 with alanine.
Molecular consequence: missense variant. On other transcripts: intron variant (68).
Genome position (GRCh38, 1-based): chr4:113,355,322, G>C. VCF-style: chr4-113355322-G-C. GRCh37 (hg19) VCF-style: chr4-114276478-G-C.
Other names: c.6470G>C, p.Gly2157Ala (NM_001386142.1); c.3104G>C, p.Gly1035Ala (NM_001386166.1); c.6845G>C, p.Gly2282Ala (NM_001386174.1); c.6821G>C, p.Gly2274Ala (NM_001386175.1); c.4411+5073G>C (NM_001386186.2, NM_001386148.2); c.4213+5073G>C (NM_001354269.3); c.4291+5073G>C (NM_001386187.2); c.4252+5073G>C (NM_001386147.1); and 35 more; short protein forms G2274A, G2282A, G2157A, G2235A, G1035A.
Identifiers: ClinVar variation 2057897 (VCV002057897.4), dbSNP rs1644463303, ClinGen allele CA357925201.